The following is an entry in ClinVar:

NM_003737.4(DCHS1):c.9885G>C (p.Glu3295Asp)

Gene: DCHS1 (dachsous cadherin-related 1; minus strand). Cytogenetic location: 11p15.4.
Variant type: single nucleotide variant.
Coding change: c.9885G>C on transcript NM_003737.4 (MANE Select); coding-DNA position 9885, G replaced by C.
Protein change: p.Glu3295Asp; replaces glutamic acid 3295 with aspartic acid.
Molecular consequence: missense variant.
Genome position (GRCh38, 1-based): chr11:6,621,791, C>G on the plus strand (G>C on the coding strand, the complement: DCHS1 is on the minus strand). VCF-style: chr11-6621791-C-G. GRCh37 (hg19) VCF-style: chr11-6643022-C-G.
Other names: short protein forms E3295D.
Identifiers: ClinVar variation 2878734 (VCV002878734.4), dbSNP rs765591706, ClinGen allele CA5859155.

ClinVar aggregate classification (germline): Uncertain significance. Review status: criteria provided, multiple submitters, no conflicts (2 of 4 stars). 2 submissions from 2 submitters: Uncertain significance (2). Last evaluated 2025-06-08.

Allele frequency attached by ClinVar (database versions not stated): TOPMed below 0.00001; ExAC 0.00003.
gnomAD v4.1: 23 of 1,587,974 alleles (0.0014%); highest among the groups gnomAD compares: Non-Finnish European, 0.0018%; no homozygotes.

Submissions (2):

Labcorp Genetics (formerly Invitae), Labcorp
Classification: Uncertain significance. Last evaluated: 2025-06-08. Review status: criteria provided, single submitter. Criteria: Invitae Variant Classification Sherloc (09022015). Collection method: clinical testing. Allele origin: germline.
Comment: This sequence change replaces glutamic acid, which is acidic and polar, with aspartic acid, which is acidic and polar, at codon 3295 of the DCHS1 protein (p.Glu3295Asp). This variant is present in population databases (rs765591706, gnomAD 0.003%). This variant has not been reported in the literature in individuals affected with DCHS1-related conditions. ClinVar contains an entry for this variant (Variation ID: 2878734). Invitae Evidence Modeling of protein sequence and biophysical properties (such as structural, functional, and spatial information, amino acid conservation, physicochemical variation, residue mobility, and thermodynamic stability) indicates that this missense variant is not expected to disrupt DCHS1 protein function with a negative predictive value of 95%. In summary, the available evidence is currently insufficient to determine the role of this variant in disease. Therefore, it has been classified as a Variant of Uncertain Significance.

Blueprint Genetics
Classification: Uncertain significance. Last evaluated: 2019-06-19. Review status: criteria provided, single submitter. Criteria: ACMG Guidelines, 2015. Collection method: clinical testing. Allele origin: germline.